The following is an entry in ClinVar:

ClinVar aggregate classification (germline): Uncertain significance (1 of 4 stars; one submission).

Conditions:
Charcot-Marie-Tooth disease type 4. Also called: Charcot-Marie-Tooth, Type 4; Charcot-Marie-Tooth disease, type IV. Identifiers: Orphanet 64749, MedGen C4082197, MONDO:0018995.

Allele frequency attached by ClinVar (database versions not stated): gnomAD exomes below 0.00001; ExAC 0.00001.
gnomAD v4.1: 2 of 1,614,134 alleles (0.00012%); highest among the groups gnomAD compares: Non-Finnish European, 0.00017%; no homozygotes.

Submission:

Labcorp Genetics (formerly Invitae), Labcorp
Classification: Uncertain significance for Charcot-Marie-Tooth disease type 4. Last evaluated: 2022-06-25. Review status: criteria provided, single submitter. Criteria: Invitae Variant Classification Sherloc (09022015). Collection method: clinical testing. Allele origin: germline.
Comment: In summary, the available evidence is currently insufficient to determine the role of this variant in disease. Therefore, it has been classified as a Variant of Uncertain Significance. Algorithms developed to predict the effect of sequence changes on RNA splicing suggest that this variant may disrupt the consensus splice site. This variant has not been reported in the literature in individuals affected with SH3TC2-related conditions. This variant is present in population databases (rs768893046, gnomAD 0.0009%). This sequence change falls in intron 10 of the SH3TC2 gene. It does not directly change the encoded amino acid sequence of the SH3TC2 protein.

NM_024577.4(SH3TC2):c.1178-11T>C

Gene: SH3TC2 (SH3 domain and tetratricopeptide repeats 2; minus strand). Cytogenetic location: 5q32.
Variant type: single nucleotide variant.
Coding change: c.1178-11T>C on transcript NM_024577.4 (MANE Select); 11 bases into the intron before coding-DNA position 1178, T replaced by C.
Molecular consequence: intron variant.
Genome position (GRCh38, 1-based): chr5:149,028,565, A>G on the plus strand (T>C on the coding strand, the complement: SH3TC2 is on the minus strand). VCF-style: chr5-149028565-A-G. GRCh37 (hg19) VCF-style: chr5-148408128-A-G.
Identifiers: ClinVar variation 2010516 (VCV002010516.4), dbSNP rs768893046, ClinGen allele CA3499242.